The following is an entry in ClinVar:

ClinVar aggregate classification (germline): Uncertain significance. Review status: criteria provided, multiple submitters, no conflicts (2 of 4 stars). 3 submissions from 3 submitters: Uncertain significance (3). Last evaluated 2026-01-24.

Conditions:
Familial focal epilepsy with variable foci (FPEVF). Identifiers: Orphanet 98820, MedGen C1858477, MONDO:0020310.
Inborn genetic diseases. Identifiers: MedGen C0950123, MeSH D030342.

Allele frequency attached by ClinVar (database versions not stated): gnomAD exomes below 0.00001 and 0.00002; ExAC 0.00003; gnomAD 0.00007; ESP Exome Variant Server 0.00008; TOPMed 0.00011.
gnomAD v4.1: 16 of 1,613,866 alleles (0.00099%); highest among the groups gnomAD compares: African/African-American, 0.019%; no homozygotes.

Submissions (3):

Labcorp Genetics (formerly Invitae), Labcorp
Classification: Uncertain significance for Familial focal epilepsy with variable foci. Last evaluated: 2026-01-24. Review status: criteria provided, single submitter. Criteria: Invitae Variant Classification Sherloc (09022015). Collection method: clinical testing. Allele origin: germline.
Comment: This sequence change replaces glutamic acid, which is acidic and polar, with glycine, which is neutral and non-polar, at codon 1182 of the DEPDC5 protein (p.Glu1182Gly). This variant is present in population databases (rs373459336, gnomAD 0.02%). This variant has not been reported in the literature in individuals affected with DEPDC5-related conditions. ClinVar contains an entry for this variant (Variation ID: 1024722). Experimental studies and prediction algorithms are not available or were not evaluated, and the functional significance of this variant is currently unknown. In summary, the available evidence is currently insufficient to determine the role of this variant in disease. Therefore, it has been classified as a Variant of Uncertain Significance.

Ambry Genetics
Classification: Uncertain significance for Inborn genetic diseases. Last evaluated: 2024-01-09. Review status: criteria provided, single submitter. Criteria: Ambry Variant Classification Scheme 2023. Collection method: clinical testing. Allele origin: germline.

GeneDx
Classification: Uncertain significance. Last evaluated: 2020-05-26. Review status: criteria provided, single submitter. Criteria: GeneDx Variant Classification Process June 2021. Collection method: clinical testing. Allele origin: germline. Affected: yes.
Comment: In silico analysis supports that this missense variant has a deleterious effect on protein structure/function; Has not been previously published as pathogenic or benign to our knowledge

NM_001242896.3(DEPDC5):c.3545A>G (p.Glu1182Gly)

Gene: DEPDC5 (DEP domain containing 5, GATOR1 subcomplex subunit; plus strand). Cytogenetic location: 22q12.3.
Variant type: single nucleotide variant.
Coding change: c.3545A>G on transcript NM_001242896.3 (MANE Select); coding-DNA position 3545, A replaced by G.
Protein change: p.Glu1182Gly; replaces glutamic acid 1182 with glycine.
Molecular consequence: missense variant. On other transcripts: non-coding transcript variant (4).
Genome position (GRCh38, 1-based): chr22:31,873,314, A>G. VCF-style: chr22-31873314-A-G. GRCh37 (hg19) VCF-style: chr22-32269300-A-G.
Other names: c.3518A>G, p.Glu1173Gly (NM_001136029.4); c.3245A>G, p.Glu1082Gly (NM_001242897.2); c.3479A>G, p.Glu1160Gly (NM_001363852.2, NM_001364320.2); c.3311A>G, p.Glu1104Gly (NM_001363854.2, NM_001364319.2); c.3545A>G, p.Glu1182Gly (NM_001364318.2); c.3461A>G, p.Glu1154Gly (NM_001369901.1, NM_001369902.1); c.3452A>G, p.Glu1151Gly (NM_001369903.1, NM_014662.6); short protein forms E1082G, E1104G, E1151G, E1154G, E1160G, E1173G, E1182G.
Identifiers: ClinVar variation 1024722 (VCV001024722.11), dbSNP rs373459336, ClinGen allele CA10197016.